The following is an entry in ClinVar:

ClinVar aggregate classification (germline): Benign/Likely benign. Review status: criteria provided, multiple submitters, no conflicts (2 of 4 stars). 4 submissions from 4 submitters: Benign (3); Likely benign (1). Last evaluated 2026-01-14.

Allele frequency attached by ClinVar (database versions not stated): 1000 Genomes Project 0.00160; 1000 Genomes Project 30x 0.00172; ExAC 0.00238; gnomAD exomes 0.00245 and 0.00422; gnomAD 0.00267; TOPMed 0.00288; ESP Exome Variant Server 0.00385.
gnomAD v4.1: 6,519 of 1,605,066 alleles (0.41%); highest among the groups gnomAD compares: Non-Finnish European, 0.5%; 18 homozygotes.

Submissions (4):

Labcorp Genetics (formerly Invitae), Labcorp
Classification: Benign. Last evaluated: 2026-01-14. Review status: criteria provided, single submitter. Criteria: Invitae Variant Classification Sherloc (09022015). Collection method: clinical testing. Allele origin: germline.

Blueprint Genetics
Classification: Likely benign. Last evaluated: 2024-11-26. Review status: criteria provided, single submitter. Criteria: ACMG Guidelines, 2015. Collection method: clinical testing. Allele origin: germline.

GeneDx
Classification: Benign. Last evaluated: 2013-12-27. Review status: criteria provided, single submitter. Criteria: GeneDx Variant Classification (06012015). Collection method: clinical testing. Allele origin: germline. Affected: yes.
Comment: This variant is considered likely benign or benign based on one or more of the following criteria: it is a conservative change, it occurs at a poorly conserved position in the protein, it is predicted to be benign by multiple in silico algorithms, and/or has population frequency not consistent with disease.

Breakthrough Genomics
Classification: Benign. Review status: criteria provided, single submitter. Criteria: ACMG Guidelines, 2015. Collection method: not provided. Allele origin: germline. Inheritance: Autosomal recessive inheritance. Affected: yes.

NM_021074.5(NDUFV2):c.183+19T>A

Gene: NDUFV2 (NADH:ubiquinone oxidoreductase core subunit V2; plus strand). Cytogenetic location: 18p11.22.
Variant type: single nucleotide variant.
Coding change: c.183+19T>A on transcript NM_021074.5 (MANE Select); 19 bases into the intron after coding-DNA position 183, T replaced by A.
Molecular consequence: intron variant.
Genome position (GRCh38, 1-based): chr18:9,119,407, T>A. VCF-style: chr18-9119407-T-A. GRCh37 (hg19) VCF-style: chr18-9119405-T-A.
Identifiers: ClinVar variation 138506 (VCV000138506.11), dbSNP rs41274298, ClinGen allele CA292525.
Genomic context (GRCh38, chr18:9,119,407, plus strand): 5'-AACCCTGATACTCCATTTGATTTCACACCAGAAAACTATAAGGTATGGCTAAATTAACAT[T>A]ATAATTAATTTACCAAATAGGTAATATTTTCTAGATGTATAAAATGATGTTCTTTCTTTT-3'